The following is an entry in ClinVar:

NM_024675.4(PALB2):c.3229C>G (p.Pro1077Ala)

Gene: PALB2 (partner and localizer of BRCA2; minus strand). Cytogenetic location: 16p12.2.
Variant type: single nucleotide variant.
Coding change: c.3229C>G on transcript NM_024675.4 (MANE Select); coding-DNA position 3229, C replaced by G.
Protein change: p.Pro1077Ala; replaces proline 1077 with alanine.
Molecular consequence: missense variant.
Genome position (GRCh38, 1-based): chr16:23,607,985, G>C on the plus strand (C>G on the coding strand, the complement: PALB2 is on the minus strand). VCF-style: chr16-23607985-G-C. GRCh37 (hg19) VCF-style: chr16-23619306-G-C.
Other names: p.P1077A:CCC>GCC; short protein forms P1077A.
Identifiers: ClinVar variation 128140 (VCV000128140.17), dbSNP rs587780218, ClinGen allele CA288469.
Genomic context (GRCh38, chr16:23,607,985, plus strand): 5'-GGTTAATCACAATGAGCTGAAACACAGGGCTTCGCAACGACTCACTCTCTTTGGCACAGG[G>C]ATGACTCAGGACAATAAAGAGAAGCCCCTAATTTCGGAGAAAAATAAATATCCCAAATAG-3'
Protein context (NP_078951.2, residues 1067-1087): MGLLFIVLSH[Pro1077Ala]CAKESESLRS

ClinVar aggregate classification (germline): Uncertain significance. Review status: criteria provided, multiple submitters, no conflicts (2 of 4 stars). 3 submissions from 3 submitters: Uncertain significance (3). Last evaluated 2025-03-10.

Conditions:
Hereditary cancer-predisposing syndrome. Also called: Hereditary neoplastic syndrome; Neoplastic Syndromes, Hereditary; Hereditary Cancer Syndrome; Tumor predisposition. Identifiers: Orphanet 140162, MedGen C0027672, MeSH D009386, MONDO:0015356.
Familial cancer of breast. Also called: Hereditary breast cancer; BREAST CANCER, FAMILIAL; hereditary breast carcinoma. Identifiers: Orphanet 227535, MedGen C0346153, MONDO:0016419, OMIM 114480. Disease mechanism: loss of function.

Allele frequency attached by ClinVar (database versions not stated): gnomAD exomes below 0.00001.
gnomAD v4.1: 1 of 1,614,032 alleles (0.000062%); highest among the groups gnomAD compares: Non-Finnish European, 0.000085%; no homozygotes.

Submissions (3):

Ambry Genetics
Classification: Uncertain significance for Hereditary cancer-predisposing syndrome. Last evaluated: 2025-03-10. Review status: criteria provided, single submitter. Criteria: Ambry Variant Classification Scheme 2023. Collection method: clinical testing. Allele origin: germline.
Comment: The p.P1077A variant (also known as c.3229C>G), located in coding exon 12 of the PALB2 gene, results from a C to G substitution at nucleotide position 3229. The proline at codon 1077 is replaced by alanine, an amino acid with highly similar properties. This amino acid position is well conserved in available vertebrate species. In addition, this alteration is predicted to be tolerated by in silico analysis. Since supporting evidence is limited at this time, the clinical significance of this alteration remains unclear.

Labcorp Genetics (formerly Invitae), Labcorp
Classification: Uncertain significance for Familial cancer of breast. Last evaluated: 2024-10-16. Review status: criteria provided, single submitter. Criteria: Invitae Variant Classification Sherloc (09022015). Collection method: clinical testing. Allele origin: germline.
Comment: This sequence change replaces proline, which is neutral and non-polar, with alanine, which is neutral and non-polar, at codon 1077 of the PALB2 protein (p.Pro1077Ala). This variant is not present in population databases (gnomAD no frequency). This variant has not been reported in the literature in individuals affected with PALB2-related conditions. ClinVar contains an entry for this variant (Variation ID: 128140). An algorithm developed to predict the effect of missense changes on protein structure and function (PolyPhen-2) suggests that this variant is likely to be tolerated. In summary, the available evidence is currently insufficient to determine the role of this variant in disease. Therefore, it has been classified as a Variant of Uncertain Significance.

GeneDx
Classification: Uncertain significance. Last evaluated: 2018-02-08. Review status: criteria provided, single submitter. Criteria: GeneDx Variant Classification (06012015). Collection method: clinical testing. Allele origin: germline. Affected: yes.
Comment: This variant is denoted PALB2 c.3229C>G at the cDNA level, p.Pro1077Ala (P1077A) at the protein level, and results in the change of a Proline to an Alanine (CCC>GCC). This variant has not, to our knowledge, been published in the literature as pathogenic or benign. PALB2 Pro1077Ala was not observed in large population cohorts (Lek 2016). This variant is located within the WD5 repeat domain, a region required for interaction with POLH and POLH DNA synthesis stimulation, as well as interaction with RAD51 and BRCA2 (Oliver 2009, Buisson 2010, Buisson 2014, UniProt). In silico analysis, which includes protein predictors and evolutionary conservation, supports a deleterious effect. Based on currently available evidence, it is unclear whether PALB2 Pro1077Ala is a pathogenic or benign variant. We consider it to be a variant of uncertain significance.